The following is an entry in ClinVar:

NM_004183.4(BEST1):c.675T>C (p.Tyr225=)

Gene: BEST1 (bestrophin 1; plus strand). Cytogenetic location: 11q12.3.
Variant type: single nucleotide variant.
Coding change: c.675T>C on transcript NM_004183.4 (MANE Select); coding-DNA position 675, T replaced by C.
Protein change: p.Tyr225=; no amino-acid change (tyrosine 225 retained).
Molecular consequence: synonymous variant. On other transcripts: non-coding transcript variant (1).
Genome position (GRCh38, 1-based): chr11:61,957,425, T>C. VCF-style: chr11-61957425-T-C. GRCh37 (hg19) VCF-style: chr11-61724897-T-C.
Other names: c.495T>C, p.Tyr165= (NM_001139443.3, NM_001300786.2, NM_001300787.2); c.357T>C, p.Tyr119= (NM_001363591.3); c.675T>C, p.Tyr225= (NM_001363592.2); c.-501T>C (NM_001363593.3).
Identifiers: ClinVar variation 3030091 (VCV003030091.4), dbSNP rs764000497, ClinGen allele CA6040817.

ClinVar aggregate classification (germline): Likely benign. Review status: criteria provided, single submitter (1 of 4 stars). 2 submissions from 2 submitters: Likely benign (1). 1 of the submissions does not count toward it. Last evaluated 2024-08-01.

Conditions:
BEST1-related disorder. Also called: BEST1-related condition; BEST1-related disorders. Identifiers: MedGen CN239200.

Allele frequency attached by ClinVar (database versions not stated): gnomAD exomes below 0.00001; gnomAD 0.00001; TOPMed 0.00001; ExAC 0.00002.
gnomAD v4.1: 3 of 1,613,978 alleles (0.00019%); highest among the groups gnomAD compares: East Asian, 0.0067%; no homozygotes.

Submissions (2):

Labcorp Genetics (formerly Invitae), Labcorp
Classification: Likely benign. Last evaluated: 2024-08-01. Review status: criteria provided, single submitter. Criteria: Invitae Variant Classification Sherloc (09022015). Collection method: clinical testing. Allele origin: germline.

PreventionGenetics, part of Exact Sciences
Classification: Likely benign for BEST1-related condition. Last evaluated: 2021-01-22. Review status: no assertion criteria provided. Collection method: clinical testing. Allele origin: germline. Not counted in ClinVar's aggregate classification.
Comment: This variant is classified as likely benign based on ACMG/AMP sequence variant interpretation guidelines (Richards et al. 2015 PMID: 25741868, with internal and published modifications).